The following is an entry in ClinVar:

ClinVar aggregate classification (germline): Uncertain significance (0 of 4 stars; one submission).

Conditions:
Prostate cancer. Also called: Malignant tumor of prostate. Identifiers: Orphanet 1331, MedGen C0376358, MONDO:0008315, HP:0012125.

gnomAD v4.1: 1 of 1,613,806 alleles (0.000062%); highest among the groups gnomAD compares: Non-Finnish European, 0.000085%; no homozygotes.

Submission:

Science for Life laboratory,  Karolinska Institutet
Classification: Uncertain significance for Malignant tumor of prostate. Review status: no assertion criteria provided. Collection method: not provided. Allele origin: somatic.
Comment: TumorID:SWE-14
ClinVar note: Converted during submission from Unknown to Uncertain significance.

NM_014364.5(GAPDHS):c.1129G>A (p.Asp377Asn)

Genes: GAPDHS (glyceraldehyde-3-phosphate dehydrogenase, spermatogenic; plus strand), TMEM147-AS1 (TMEM147 antisense RNA 1; minus strand). Cytogenetic location: 19q13.12.
Variant type: single nucleotide variant.
Coding change: c.1129G>A on transcript NM_014364.5 (MANE Select); coding-DNA position 1129, G replaced by A.
Protein change: p.Asp377Asn; replaces aspartic acid 377 with asparagine.
Molecular consequence: missense variant.
Genome position (GRCh38, 1-based): chr19:35,544,981, G>A. VCF-style: chr19-35544981-G-A. GRCh37 (hg19) VCF-style: chr19-36035883-G-A.
Other names: short protein forms D377N.
Identifiers: ClinVar variation 161676 (VCV000161676.2), dbSNP rs193920833, ClinGen allele CA174579.